The following is an entry in ClinVar:

ClinVar aggregate classification (germline): Benign. Review status: criteria provided, multiple submitters, no conflicts (2 of 4 stars). 5 submissions from 5 submitters: Benign (5). Last evaluated 2026-01-06.

Allele frequency attached by ClinVar (database versions not stated): TOPMed 0.00285; gnomAD 0.00327 and 0.00514; gnomAD exomes 0.01121; ExAC 0.01616; 1000 Genomes Project 0.02077; 1000 Genomes Project 30x 0.02124.
gnomAD v4.1: 8,460 of 1,549,732 alleles (0.55%); highest among the groups gnomAD compares: East Asian, 5.4%; 172 homozygotes.

Submissions (5):

Labcorp Genetics (formerly Invitae), Labcorp
Classification: Benign. Last evaluated: 2026-01-06. Review status: criteria provided, single submitter. Criteria: Invitae Variant Classification Sherloc (09022015). Collection method: clinical testing. Allele origin: germline.

ARUP Laboratories, Molecular Genetics and Genomics, ARUP Laboratories
Classification: Benign. Last evaluated: 2025-07-04. Review status: criteria provided, single submitter. Criteria: ARUP Molecular Germline Variant Investigation Process 2024. Collection method: clinical testing. Allele origin: germline.

CeGaT Center for Human Genetics Tuebingen
Classification: Benign. Last evaluated: 2024-07-01. Review status: criteria provided, single submitter. Criteria: CeGaT Center For Human Genetics Tuebingen Variant Classification Criteria Version 2. Collection method: clinical testing. Allele origin: germline. Affected: yes. Observed: 4 variant alleles.
Comment: PIEZO1: BP4, BS1, BS2

Mayo Clinic Laboratories, Mayo Clinic
Classification: Benign. Last evaluated: 2016-04-27. Review status: criteria provided, single submitter. Criteria: ACMG Guidelines, 2015. Collection method: clinical testing. Allele origin: germline. Observed: 15 variant alleles.

Breakthrough Genomics
Classification: Benign. Review status: criteria provided, single submitter. Criteria: ACMG Guidelines, 2015. Collection method: not provided. Allele origin: germline. Inheritance: Autosomal recessive inheritance. Affected: yes.

NM_001142864.4(PIEZO1):c.5461G>A (p.Gly1821Ser)

Gene: PIEZO1 (piezo type mechanosensitive ion channel component 1 (Er blood group); minus strand). Cytogenetic location: 16q24.3.
Variant type: single nucleotide variant.
Coding change: c.5461G>A on transcript NM_001142864.4 (MANE Select); coding-DNA position 5461, G replaced by A.
Protein change: p.Gly1821Ser; replaces glycine 1821 with serine.
Molecular consequence: missense variant.
Genome position (GRCh38, 1-based): chr16:88,721,373, C>T on the plus strand (G>A on the coding strand, the complement: PIEZO1 is on the minus strand). VCF-style: chr16-88721373-C-T. GRCh37 (hg19) VCF-style: chr16-88787781-C-T.
Other names: p.Gly1821Ser; short protein forms G1821S.
Identifiers: ClinVar variation 811622 (VCV000811622.46), dbSNP rs78574543, ClinGen allele CA8231873.